The following is an entry in ClinVar:

ClinVar aggregate classification (germline): Benign/Likely benign. Review status: criteria provided, multiple submitters, no conflicts (2 of 4 stars). 2 submissions from 2 submitters: Benign (1); Likely benign (1). Last evaluated 2025-03-19.

Conditions:
Juvenile polyposis syndrome (JPS). Identifiers: Orphanet 2929, MedGen C0345893, MONDO:0017380, OMIM 174900.
Juvenile polyposis/hereditary hemorrhagic telangiectasia syndrome (JPHT). Also called: Juvenile Polyposis Syndrome / Hereditary Hemorrhagic Telangiectasia (JPS/HHT); JP/HHT SYNDROME; JUVENILE POLYPOSIS WITH HEREDITARY HEMORRHAGIC TELANGIECTASIA; POLYPOSIS, GENERALIZED JUVENILE, WITH PULMONARY ARTERIOVENOUS MALFORMATION; TELANGIECTASIA, HEREDITARY HEMORRHAGIC, WITH JUVENILE POLYPOSIS COLI. Identifiers: Orphanet 2929, MedGen C1832942, MONDO:0008278, OMIM 175050.

Allele frequency attached by ClinVar (database versions not stated): gnomAD exomes below 0.00001.
gnomAD v4.1: 1 of 1,614,134 alleles (0.000062%); highest among the groups gnomAD compares: East Asian, 0.0022%; no homozygotes.

Submissions (2):

Myriad Genetics, Inc.
Classification: Benign for Juvenile polyposis/hereditary hemorrhagic telangiectasia syndrome. Last evaluated: 2025-03-19. Review status: criteria provided, single submitter. Criteria: Myriad Autosomal Dominant, Autosomal Recessive and X-Linked Classification Criteria (2023). Collection method: clinical testing. Allele origin: unknown.
Comment: This variant is considered benign. This variant is a silent/synonymous amino acid change and it is not expected to impact splicing.

Labcorp Genetics (formerly Invitae), Labcorp
Classification: Likely benign for Juvenile polyposis syndrome. Last evaluated: 2023-01-31. Review status: criteria provided, single submitter. Criteria: Invitae Variant Classification Sherloc (09022015). Collection method: clinical testing. Allele origin: germline.

NM_005359.6(SMAD4):c.555A>C (p.Pro185=)

Gene: SMAD4 (SMAD family member 4; plus strand). Cytogenetic location: 18q21.2.
Variant type: single nucleotide variant.
Coding change: c.555A>C on transcript NM_005359.6 (MANE Select); coding-DNA position 555, A replaced by C.
Protein change: p.Pro185=; no amino-acid change (proline 185 retained).
Molecular consequence: synonymous variant.
Genome position (GRCh38, 1-based): chr18:51,054,881, A>C. VCF-style: chr18-51054881-A-C. GRCh37 (hg19) VCF-style: chr18-48581251-A-C.
Identifiers: ClinVar variation 1535855 (VCV001535855.9), dbSNP rs2144418720, ClinGen allele CA503873720.